The following is an entry in ClinVar:

ClinVar aggregate classification (germline): Uncertain significance (1 of 4 stars; one submission).

Conditions:
TBX3-related disorder. Also called: TBX3-related condition.

gnomAD v4.1: 10 of 1,614,056 alleles (0.00062%); highest among the groups gnomAD compares: African/African-American, 0.004%; no homozygotes.

Submission:

PreventionGenetics, part of Exact Sciences
Classification: Uncertain significance for TBX3-related condition. Last evaluated: 2026-04-13. Review status: criteria provided, single submitter. Criteria: ACMG Guidelines, 2015. Collection method: clinical testing. Allele origin: germline.
Comment: The TBX3 c.370G>A variant is predicted to result in the amino acid substitution p.Val124Ile. To our knowledge, this variant has not been reported in the literature or in a large population database (gnomAD), indicating this variant is rare. At this time, the clinical significance of this variant is uncertain due to the absence of conclusive functional and genetic evidence.

NM_005996.4(TBX3):c.370G>A (p.Val124Ile)

Genes: TBX3 (T-box transcription factor 3; minus strand), TBX3-AS1 (TBX3 antisense RNA 1; plus strand). Cytogenetic location: 12q24.21.
Variant type: single nucleotide variant.
Coding change: c.370G>A on transcript NM_005996.4 (MANE Select); coding-DNA position 370, G replaced by A.
Protein change: p.Val124Ile; replaces valine 124 with isoleucine.
Molecular consequence: missense variant.
Genome position (GRCh38, 1-based): chr12:114,682,831, C>T on the plus strand (G>A on the coding strand, the complement: TBX3 is on the minus strand). VCF-style: chr12-114682831-C-T. GRCh37 (hg19) VCF-style: chr12-115120636-C-T.
Other names: c.370G>A, p.Val124Ile (NM_016569.4); short protein forms V124I.
Identifiers: ClinVar variation 4989085 (VCV004989085.1).